The following is an entry in ClinVar:

ClinVar aggregate classification (germline): Pathogenic (1 of 4 stars; one submission).

Submission:

Labcorp Genetics (formerly Invitae), Labcorp
Classification: Pathogenic. Last evaluated: 2023-09-24. Review status: criteria provided, single submitter. Criteria: Invitae Variant Classification Sherloc (09022015). Collection method: clinical testing. Allele origin: germline.
Comment: This sequence change creates a premature translational stop signal (p.Asp271Thrfs*3) in the ANK1 gene. It is expected to result in an absent or disrupted protein product. Loss-of-function variants in ANK1 are known to be pathogenic (PMID: 8640229). This variant is not present in population databases (gnomAD no frequency). This variant has not been reported in the literature in individuals affected with ANK1-related conditions. Algorithms developed to predict the effect of sequence changes on RNA splicing suggest that this variant may disrupt the consensus splice site. For these reasons, this variant has been classified as Pathogenic.

Literature cited by the submitters: PubMed 8640229.

NC_000008.11:g.41723224del

Gene: ANK1 (ankyrin 1; minus strand). Cytogenetic location: 8p11.21.
Variant type: Deletion.
Genome position: GRCh38 VCF-style: chr8-41723222-TC-T. GRCh37 (hg19) VCF-style: chr8-41580740-TC-T.
Identifiers: ClinVar variation 2763179 (VCV002763179.3), dbSNP rs2486963515, ClinGen allele CA2697549880.